The following is an entry in ClinVar:

ClinVar aggregate classification (germline): Uncertain significance. Review status: criteria provided, multiple submitters, no conflicts (2 of 4 stars). 2 submissions from 2 submitters: Uncertain significance (2). Last evaluated 2024-04-10.

Conditions:
Arrhythmogenic right ventricular cardiomyopathy (ARVD). Also called: Arrhythmogenic cardiomyopathy; Cardiomyopathy, ARVC; Arrhythmogenic right ventricular dysplasia; Arrhythmogenic Right Ventricular Cardiomyopathy (ARVC). Identifiers: Orphanet 247, MedGen C0349788, MeSH D019571, MONDO:0016587. Disease mechanism: loss of function. Inheritance: Various modes of inheritance.
Cardiomyopathy (CMYO). Also called: Cardiomyopathies. Identifiers: Orphanet 167848, MedGen C0878544, MONDO:0004994, HP:0001638. Inheritance: Various modes of inheritance.

Submissions (2):

All of Us Research Program, National Institutes of Health
Classification: Uncertain significance for Arrhythmogenic right ventricular cardiomyopathy. Last evaluated: 2024-04-10. Review status: criteria provided, single submitter. Criteria: ACMG Guidelines, 2015. Collection method: clinical testing. Allele origin: germline. Inheritance: Autosomal dominant inheritance. Observed: 1 variant allele, 1 heterozygote.
Comment: This missense variant replaces histidine with glutamine at codon 477 of the PKP2 protein. Computational prediction tools and conservation analyses suggest that this variant may not impact the protein function. Computational splicing tools suggest that this variant may not impact RNA splicing. To our knowledge, functional assays have not been performed for this variant nor has this variant been reported in individuals affected with cardiovascular disorders in the literature. This variant has not been identified in the general population by the Genome Aggregation Database (gnomAD). Available evidence is insufficient to determine the role of this variant in disease conclusively. Therefore, this variant is classified as a Variant of Uncertain Significance.

This study involves interpretation of variants in research participants for the purpose of population health screening. Participant phenotype was not available at the time of variant classification. Additional details can be found in publication PMID: 35346344, PMCID: PMC8962531

Color Diagnostics, LLC DBA Color Health
Classification: Uncertain significance for Cardiomyopathy. Last evaluated: 2023-12-05. Review status: criteria provided, single submitter. Criteria: ACMG Guidelines, 2015. Collection method: clinical testing. Allele origin: germline.
Comment: This missense variant replaces histidine with glutamine at codon 477 of the PKP2 protein. Computational prediction tools and conservation analyses suggest that this variant may not impact the protein function. Computational splicing tools suggest that this variant may not impact RNA splicing. To our knowledge, functional assays have not been performed for this variant nor has this variant been reported in individuals affected with cardiovascular disorders in the literature. This variant has not been identified in the general population by the Genome Aggregation Database (gnomAD). Available evidence is insufficient to determine the role of this variant in disease conclusively. Therefore, this variant is classified as a Variant of Uncertain Significance.

NM_001005242.3(PKP2):c.1379-2056C>A

Gene: PKP2 (plakophilin 2; minus strand). Cytogenetic location: 12p11.21.
Variant type: single nucleotide variant.
Coding change: c.1379-2056C>A on transcript NM_001005242.3 (MANE Select); 2056 bases into the intron before coding-DNA position 1379, C replaced by A.
Molecular consequence: intron variant. On other transcripts: missense variant (1).
Genome position (GRCh38, 1-based): chr12:32,843,261, G>T on the plus strand (C>A on the coding strand, the complement: PKP2 is on the minus strand). VCF-style: chr12-32843261-G-T. GRCh37 (hg19) VCF-style: chr12-32996195-G-T.
Other names: c.1431C>A, p.His477Gln (NM_004572.4); short protein forms H477Q.
Identifiers: ClinVar variation 921481 (VCV000921481.6), dbSNP rs749052785, ClinGen allele CA384368702.
Genomic context (GRCh38, chr12:32,843,261, plus strand): 5'-TCGAACTCCTGACCTCGTGATCCGCCCGCCTTGGCCTCCCAAAGTGCTGGGATTACAGGC[G>T]TGAGCCACCGCGCCCGGCCAGCCATTCCTACTTCTTAAATTGACTGTATGGTCTGTACAA-3'